The following is an entry in ClinVar:

NM_000138.5(FBN1):c.3939C>T (p.Gly1313=)

Gene: FBN1 (fibrillin 1; minus strand). Cytogenetic location: 15q21.1.
Variant type: single nucleotide variant.
Coding change: c.3939C>T on transcript NM_000138.5 (MANE Select); coding-DNA position 3939, C replaced by T.
Protein change: p.Gly1313=; no amino-acid change (glycine 1313 retained).
Molecular consequence: synonymous variant.
Genome position (GRCh38, 1-based): chr15:48,481,680, G>A on the plus strand (C>T on the coding strand, the complement: FBN1 is on the minus strand). VCF-style: chr15-48481680-G-A. GRCh37 (hg19) VCF-style: chr15-48773877-G-A.
Other names: c.3939C>T, p.Gly1313= (NM_001406716.1).
Identifiers: ClinVar variation 3230415 (VCV003230415.2), dbSNP rs1597558962, ClinGen allele CA490016118.

ClinVar aggregate classification (germline): Likely benign. Review status: criteria provided, multiple submitters, no conflicts (2 of 4 stars). 2 submissions from 2 submitters: Likely benign (2). Last evaluated 2024-08-13.

Conditions:
Marfan syndrome (MFS). Also called: MARFAN SYNDROME, TYPE I; Marfan syndrome type 1; Marfan's syndrome; Marfan syndrome, classic; FBN1-Related Marfan Syndrome. Identifiers: Orphanet 284963, Orphanet 558, MedGen C0024796, MONDO:0007947, OMIM 154700.
Familial thoracic aortic aneurysm and aortic dissection (TAAD). Also called: Thoracic aortic aneurysms and dissections. Identifiers: Orphanet 91387, MedGen C4707243, MONDO:0019625.

gnomAD v4.1: 1 of 1,612,282 alleles (0.000062%); highest among the groups gnomAD compares: African/African-American, 0.0013%; no homozygotes.

Submissions (2):

All of Us Research Program, National Institutes of Health
Classification: Likely benign for Marfan syndrome. Last evaluated: 2024-08-13. Review status: criteria provided, single submitter. Criteria: ACMG Guidelines, 2015. Collection method: clinical testing. Allele origin: germline. Inheritance: Autosomal dominant inheritance. Observed: 1 variant allele, 1 heterozygote.
Comment: This study involves interpretation of variants in research participants for the purpose of population health screening. Participant phenotype was not available at the time of variant classification. Additional details can be found in publication PMID: 35346344, PMCID: PMC8962531

Ambry Genetics
Classification: Likely benign for Familial thoracic aortic aneurysm and aortic dissection. Last evaluated: 2023-11-30. Review status: criteria provided, single submitter. Criteria: Ambry Variant Classification Scheme 2023. Collection method: clinical testing. Allele origin: germline.